The following is an entry in ClinVar:

NC_000005.9:g.(?_33982321)_(33985180_?)del

Gene: SLC45A2 (solute carrier family 45 member 2; minus strand). Cytogenetic location: 5p13.2.
Variant type: Deletion.
Identifiers: ClinVar variation 3246525 (VCV003246525.1).

ClinVar aggregate classification (germline): Pathogenic (1 of 4 stars; one submission).

Submission:

Labcorp Genetics (formerly Invitae), Labcorp
Classification: Pathogenic. Last evaluated: 2023-12-30. Review status: criteria provided, single submitter. Criteria: Invitae Variant Classification Sherloc (09022015). Collection method: clinical testing. Allele origin: unknown.
Comment: This variant is a gross deletion of the genomic region encompassing exon(s) 1-2 of the SLC45A2 gene, which includes the initiator codon. This deletion extends beyond the assayed region for this gene and therefore may encompass additional genes. It is expected to result in an absent or disrupted protein product. Loss-of-function variants in SLC45A2 are known to be pathogenic (PMID: 21458243, 26573111). A similar copy number variant has been observed in individual(s) with albinism (PMID: 29345414). For these reasons, this variant has been classified as Pathogenic.

Literature cited by the submitters: PubMed 21458243; PubMed 26573111; PubMed 29345414.